The following is an entry in ClinVar:

NM_003597.5(KLF11):c.245C>A (p.Thr82Asn)

Gene: KLF11 (KLF transcription factor 11; plus strand). Cytogenetic location: 2p25.1.
Variant type: single nucleotide variant.
Coding change: c.245C>A on transcript NM_003597.5 (MANE Select); coding-DNA position 245, C replaced by A.
Protein change: p.Thr82Asn; replaces threonine 82 with asparagine.
Molecular consequence: missense variant.
Genome position (GRCh38, 1-based): chr2:10,046,352, C>A. VCF-style: chr2-10046352-C-A. GRCh37 (hg19) VCF-style: chr2-10186479-C-A.
Other names: c.194C>A, p.Thr65Asn (NM_001177716.2, NM_001177718.2); short protein forms T65N, T82N.
Identifiers: ClinVar variation 1505654 (VCV001505654.8), dbSNP rs2125277334, ClinGen allele CA345800645.

ClinVar aggregate classification (germline): Uncertain significance (1 of 4 stars; one submission).

Submission:

Labcorp Genetics (formerly Invitae), Labcorp
Classification: Uncertain significance. Last evaluated: 2021-07-16. Review status: criteria provided, single submitter. Criteria: Invitae Variant Classification Sherloc (09022015). Collection method: clinical testing. Allele origin: germline.
Comment: In summary, the available evidence is currently insufficient to determine the role of this variant in disease. Therefore, it has been classified as a Variant of Uncertain Significance. Algorithms developed to predict the effect of missense changes on protein structure and function (SIFT, PolyPhen-2, Align-GVGD) all suggest that this variant is likely to be tolerated. This variant has not been reported in the literature in individuals affected with KLF11-related conditions. This variant is not present in population databases (ExAC no frequency). This sequence change replaces threonine with asparagine at codon 82 of the KLF11 protein (p.Thr82Asn). The threonine residue is weakly conserved and there is a small physicochemical difference between threonine and asparagine.